The following is an entry in ClinVar:

NM_080473.5(GATA5):c.802_804dup (p.Gly268_Leu269insGly)

Gene: GATA5 (GATA binding protein 5; minus strand). Cytogenetic location: 20q13.33.
Variant type: Duplication.
Coding change: c.802_804dup on transcript NM_080473.5 (MANE Select); coding-DNA positions 802 to 804, 3 bases duplicated (GGC; older notation c.802_804dupGGC).
Protein change: p.Gly268_Leu269insGly.
Molecular consequence: inframe insertion.
Genome position (GRCh38, 1-based): chr20:62,466,447-62,466,449, GCC duplicated on the plus strand (GGC on the coding strand, the reverse complement: GATA5 is on the minus strand); duplicating any 3 consecutive bases within chr20:62,466,447-62,466,451 gives the same sequence; the c. name uses the placement nearest the transcript's 3' end. VCF-style (leftmost placement, unchanged base first): chr20-62466446-G-GGCC. GRCh37 (hg19) VCF-style: chr20-61041502-G-GGCC.
Identifiers: ClinVar variation 1698360 (VCV001698360.2), dbSNP rs1365111454, ClinGen allele CA636301395.
Genomic context (GRCh38, chr20:62,466,446, plus strand): 5'-GACAGAGGCCTCCCCGCCCTGCCCCGGGGACCACACTCACCCCGTGCAGCTTCATGTAGA[G>GGCC]GCCGCAGGCATTGCACACGGGCTCCCCCTCCGAGTTCCGCCGCCACAGCGTGGTGTTGGT-3'

ClinVar aggregate classification (germline): Uncertain significance (1 of 4 stars; one submission).

Submission:

GeneDx
Classification: Uncertain significance. Last evaluated: 2022-01-21. Review status: criteria provided, single submitter. Criteria: GeneDx Variant Classification Process June 2021. Collection method: clinical testing. Allele origin: germline. Affected: yes.
Comment: Has not been previously published as pathogenic or benign to our knowledge; Not observed at significant frequency in large population cohorts (gnomAD); In-frame duplication of one amino acid in a non-repeat region